The following is an entry in ClinVar:

NM_015662.3(IFT172):c.2116-2A>G

Gene: IFT172 (intraflagellar transport 172; minus strand). Cytogenetic location: 2p23.3.
Variant type: single nucleotide variant.
Coding change: c.2116-2A>G on transcript NM_015662.3 (MANE Select); the canonical splice acceptor site of the intron before coding-DNA position 2116, A replaced by G.
Molecular consequence: splice acceptor variant.
Genome position (GRCh38, 1-based): chr2:27,461,838, T>C on the plus strand (A>G on the coding strand, the complement: IFT172 is on the minus strand). VCF-style: chr2-27461838-T-C. GRCh37 (hg19) VCF-style: chr2-27684705-T-C.
Other names: c.2050-2A>G (NM_001410739.1).
Identifiers: ClinVar variation 2934378 (VCV002934378.3), dbSNP rs1393522194, ClinGen allele CA346384964.
Genomic context (GRCh38, chr2:27,461,838, plus strand): 5'-ATACACTCATCCCAACGGTGTAGCTCCTGGTACATGCCCATGGCCTCCTCCACAGCATTC[T>C]AGGGGAAACAGGCAGAGCAGAGAGGGACACCAGAAAGATATGAGGATCAGAAAGCAGCAA-3'

ClinVar aggregate classification (germline): Likely pathogenic (1 of 4 stars; one submission).

Conditions:
Short-rib thoracic dysplasia 10 with or without polydactyly (SRTD10). Identifiers: Orphanet 474, MedGen C3810175, MONDO:0014284, OMIM 615630.
Retinitis pigmentosa 71 (RP71). Identifiers: Orphanet 791, MedGen C4225342, MONDO:0014618, OMIM 616394.

gnomAD v4.1: 1 of 1,614,068 alleles (0.000062%); highest among the groups gnomAD compares: Non-Finnish European, 0.000085%; no homozygotes.

Submission:

Labcorp Genetics (formerly Invitae), Labcorp
Classification: Likely pathogenic for Retinitis pigmentosa 71; Short-rib thoracic dysplasia 10 with or without polydactyly. Last evaluated: 2023-03-27. Review status: criteria provided, single submitter. Criteria: Invitae Variant Classification Sherloc (09022015). Collection method: clinical testing. Allele origin: germline.
Comment: In summary, the currently available evidence indicates that the variant is pathogenic, but additional data are needed to prove that conclusively. Therefore, this variant has been classified as Likely Pathogenic. Algorithms developed to predict the effect of sequence changes on RNA splicing suggest that this variant may disrupt the consensus splice site. This variant has not been reported in the literature in individuals affected with IFT172-related conditions. This variant is not present in population databases (gnomAD no frequency). This sequence change affects an acceptor splice site in intron 20 of the IFT172 gene. It is expected to disrupt RNA splicing. Variants that disrupt the donor or acceptor splice site typically lead to a loss of protein function (PMID: 16199547), and loss-of-function variants in IFT172 are known to be pathogenic (PMID: 24140113).

Literature cited by the submitters: PubMed 16199547; PubMed 24140113.